The following is an entry in ClinVar:

NM_001083116.3(PRF1):c.1203G>A (p.Ala401=)

Gene: PRF1 (perforin 1; minus strand). Cytogenetic location: 10q22.1.
Variant type: single nucleotide variant.
Coding change: c.1203G>A on transcript NM_001083116.3 (MANE Select); coding-DNA position 1203, G replaced by A.
Protein change: p.Ala401=; no amino-acid change (alanine 401 retained).
Molecular consequence: synonymous variant.
Genome position (GRCh38, 1-based): chr10:70,598,518, C>T on the plus strand (G>A on the coding strand, the complement: PRF1 is on the minus strand). VCF-style: chr10-70598518-C-T. GRCh37 (hg19) VCF-style: chr10-72358274-C-T.
Other names: c.1203G>A, p.Ala401= (NM_005041.6).
Identifiers: ClinVar variation 967154 (VCV000967154.11), dbSNP rs748445504, ClinGen allele CA5538796.

ClinVar aggregate classification (germline): Likely benign. Review status: criteria provided, single submitter (1 of 4 stars). 2 submissions from 2 submitters: Likely benign (1). 1 of the submissions does not count toward it. Last evaluated 2025-12-29.

Conditions:
PRF1-related disorder. Also called: PRF1-related condition.
Familial hemophagocytic lymphohistiocytosis 2 (FHL2). Also called: PRF1-Related Familial Hemophagocytic Lymphohistiocytosis (PRF1-fHLH). Identifiers: Orphanet 540, MedGen C1863727, MONDO:0011337, OMIM 603553.

Allele frequency attached by ClinVar (database versions not stated): gnomAD 0.00004 and 0.00003; gnomAD exomes 0.00004 and 0.00002; ExAC 0.00002; TOPMed 0.00002.
gnomAD v4.1: 69 of 1,613,236 alleles (0.0043%); highest among the groups gnomAD compares: South Asian, 0.0055%; no homozygotes.

Submissions (2):

Labcorp Genetics (formerly Invitae), Labcorp
Classification: Likely benign for Familial hemophagocytic lymphohistiocytosis 2. Last evaluated: 2025-12-29. Review status: criteria provided, single submitter. Criteria: Invitae Variant Classification Sherloc (09022015). Collection method: clinical testing. Allele origin: germline.

PreventionGenetics, part of Exact Sciences
Classification: Likely benign for PRF1-related condition. Last evaluated: 2024-05-18. Review status: no assertion criteria provided. Collection method: clinical testing. Allele origin: germline. Not counted in ClinVar's aggregate classification.
Comment: This variant is classified as likely benign based on ACMG/AMP sequence variant interpretation guidelines (Richards et al. 2015 PMID: 25741868, with internal and published modifications).